The following is an entry in ClinVar:

NM_031443.4(CCM2):c.1246T>G (p.Ser416Ala)

Gene: CCM2 (CCM2 scaffold protein; plus strand). Cytogenetic location: 7p13.
Variant type: single nucleotide variant.
Coding change: c.1246T>G on transcript NM_031443.4 (MANE Select); coding-DNA position 1246, T replaced by G.
Protein change: p.Ser416Ala; replaces serine 416 with alanine.
Molecular consequence: missense variant. On other transcripts: non-coding transcript variant (1).
Genome position (GRCh38, 1-based): chr7:45,075,968, T>G. VCF-style: chr7-45075968-T-G. GRCh37 (hg19) VCF-style: chr7-45115567-T-G.
Other names: c.1309T>G, p.Ser437Ala (NM_001029835.2); c.1072T>G, p.Ser358Ala (NM_001167934.2); c.973T>G, p.Ser325Ala (NM_001167935.2); c.1369T>G, p.Ser457Ala (NM_001363458.2); c.1195T>G, p.Ser399Ala (NM_001363459.2); short protein forms S416A, S437A, S325A, S358A, S457A, S399A.
Identifiers: ClinVar variation 393024 (VCV000393024.2), dbSNP rs1057524745, ClinGen allele CA16605225.

ClinVar aggregate classification (germline): Uncertain significance (1 of 4 stars; one submission).

gnomAD v4.1: 4 of 1,613,008 alleles (0.00025%); highest among the groups gnomAD compares: Non-Finnish European, 0.00025%; no homozygotes.

Submission:

GeneDx
Classification: Uncertain significance. Last evaluated: 2017-01-26. Review status: criteria provided, single submitter. Criteria: GeneDx Variant Classification (06012015). Collection method: clinical testing. Allele origin: germline. Affected: yes.
Comment: The S416A variant has not been published as a pathogenic variant, nor has it been reported as a benign variant to our knowledge. The S416A variant is not observed in large population cohorts (Lek et al., 2016; 1000 Genomes Consortium et al., 2015; Exome Variant Server). The S416A variant is a non-conservative amino acid substitution that occurs at a position that is conserved in mammals. In silico analysis is inconsistent in its predictions as to whether or not the variant is damaging to the protein structure/function. Additionally, most reported pathogenic variants in the S416A gene are loss-of-function nonsense or frameshift variants. Therefore, based on the currently available information, it is unclear whether S416A is a pathogenic variant or a rare benign variant.